The following is an entry in ClinVar:

ClinVar aggregate classification (germline): Uncertain significance. Review status: criteria provided, multiple submitters, no conflicts (2 of 4 stars). 3 submissions from 3 submitters: Uncertain significance (3). Last evaluated 2025-12-24.

Conditions:
Inborn genetic diseases. Identifiers: MedGen C0950123, MeSH D030342.

Allele frequency attached by ClinVar (database versions not stated): ExAC 0.00001; gnomAD exomes 0.00001; gnomAD 0.00004; TOPMed 0.00012.
gnomAD v4.1: 19 of 1,612,674 alleles (0.0012%); highest among the groups gnomAD compares: African/African-American, 0.015%; no homozygotes.

Submissions (3):

Labcorp Genetics (formerly Invitae), Labcorp
Classification: Uncertain significance. Last evaluated: 2025-12-24. Review status: criteria provided, single submitter. Criteria: Invitae Variant Classification Sherloc (09022015). Collection method: clinical testing. Allele origin: germline.
Comment: This sequence change replaces isoleucine, which is neutral and non-polar, with valine, which is neutral and non-polar, at codon 113 of the POLR3B protein (p.Ile113Val). This variant is present in population databases (rs770310005, gnomAD 0.008%). This variant has not been reported in the literature in individuals affected with POLR3B-related conditions. ClinVar contains an entry for this variant (Variation ID: 2388218). Invitae Evidence Modeling of protein sequence and biophysical properties (such as structural, functional, and spatial information, amino acid conservation, physicochemical variation, residue mobility, and thermodynamic stability) indicates that this missense variant is not expected to disrupt POLR3B protein function with a negative predictive value of 80%. In summary, the available evidence is currently insufficient to determine the role of this variant in disease. Therefore, it has been classified as a Variant of Uncertain Significance.

CeGaT Center for Human Genetics Tuebingen
Classification: Uncertain significance. Last evaluated: 2025-10-01. Review status: criteria provided, single submitter. Criteria: CeGaT Center For Human Genetics Tuebingen Variant Classification Criteria Version 2. Collection method: clinical testing. Allele origin: germline. Affected: yes. Observed: 1 variant allele.
Comment: POLR3B: PM2:Supporting

Ambry Genetics
Classification: Uncertain significance for Inborn genetic diseases. Last evaluated: 2025-01-17. Review status: criteria provided, single submitter. Criteria: Ambry Variant Classification Scheme 2023. Collection method: clinical testing. Allele origin: germline.

NM_018082.6(POLR3B):c.337A>G (p.Ile113Val)

Gene: POLR3B (RNA polymerase III subunit B; plus strand). Cytogenetic location: 12q23.3.
Variant type: single nucleotide variant.
Coding change: c.337A>G on transcript NM_018082.6 (MANE Select); coding-DNA position 337, A replaced by G.
Protein change: p.Ile113Val; replaces isoleucine 113 with valine.
Molecular consequence: missense variant.
Genome position (GRCh38, 1-based): chr12:106,369,616, A>G. VCF-style: chr12-106369616-A-G. GRCh37 (hg19) VCF-style: chr12-106763394-A-G.
Other names: c.163A>G, p.Ile55Val (NM_001160708.2); short protein forms I113V, I55V.
Identifiers: ClinVar variation 2388218 (VCV002388218.10), dbSNP rs770310005, ClinGen allele CA6761667.